The following is an entry in ClinVar:

NM_005751.5(AKAP9):c.5825C>A (p.Thr1942Asn)

Gene: AKAP9 (A-kinase anchoring protein 9; plus strand). Cytogenetic location: 7q21.2.
Variant type: single nucleotide variant.
Coding change: c.5825C>A on transcript NM_005751.5 (MANE Select); coding-DNA position 5825, C replaced by A.
Protein change: p.Thr1942Asn; replaces threonine 1942 with asparagine.
Molecular consequence: missense variant.
Genome position (GRCh38, 1-based): chr7:92,062,334, C>A. VCF-style: chr7-92062334-C-A. GRCh37 (hg19) VCF-style: chr7-91691648-C-A.
Other names: c.470C>A, p.Thr157Asn (NM_001379277.1); c.5825C>A, p.Thr1942Asn (NM_147185.3); short protein forms T1942N, T157N.
Identifiers: ClinVar variation 577619 (VCV000577619.9), dbSNP rs768512576, ClinGen allele CA4336927.
Genomic context (GRCh38, chr7:92,062,334, plus strand): 5'-GCGTCATTGATGGCTATGCAGATGAAAAAACTCTTTTTGAAAGGCAAATTCAGGAAAAAA[C>A]TGATATAATAGATCGTCTTGAGCAGGAGTTGTTATGTGCAAGTAACAGGTTGCAAGAATT-3'
Protein context (NP_005742.4, residues 1932-1952): TLFERQIQEK[Thr1942Asn]DIIDRLEQEL

ClinVar aggregate classification (germline): Uncertain significance. Review status: criteria provided, multiple submitters, no conflicts (2 of 4 stars). 2 submissions from 2 submitters: Uncertain significance (2). Last evaluated 2024-12-21.

Conditions:
Cardiovascular phenotype. Identifiers: MedGen CN230736.
Long QT syndrome (LQTS). Identifiers: MedGen C0023976, MeSH D008133, MONDO:0002442. Disease mechanism: loss of function. Inheritance: Various modes of inheritance.

Allele frequency attached by ClinVar (database versions not stated): ExAC 0.00001; gnomAD 0.00001; gnomAD exomes 0.00002; TOPMed 0.00006.
gnomAD v4.1: 22 of 1,613,654 alleles (0.0014%); highest among the groups gnomAD compares: Non-Finnish European, 0.0016%; no homozygotes.

Submissions (2):

Ambry Genetics
Classification: Uncertain significance for Cardiovascular phenotype. Last evaluated: 2024-12-21. Review status: criteria provided, single submitter. Criteria: Ambry Variant Classification Scheme 2023. Collection method: clinical testing. Allele origin: germline.
Comment: The p.T1942N variant (also known as c.5825C>A), located in coding exon 24 of the AKAP9 gene, results from a C to A substitution at nucleotide position 5825. The threonine at codon 1942 is replaced by asparagine, an amino acid with similar properties. This amino acid position is poorly conserved in available vertebrate species. In addition, this alteration is predicted to be tolerated by in silico analysis. Since supporting evidence is limited at this time, the clinical significance of this alteration remains unclear.

Labcorp Genetics (formerly Invitae), Labcorp
Classification: Uncertain significance for Long QT syndrome. Last evaluated: 2024-11-04. Review status: criteria provided, single submitter. Criteria: Invitae Variant Classification Sherloc (09022015). Collection method: clinical testing. Allele origin: germline.
Comment: This sequence change replaces threonine, which is neutral and polar, with asparagine, which is neutral and polar, at codon 1942 of the AKAP9 protein (p.Thr1942Asn). This variant is present in population databases (rs768512576, gnomAD 0.004%). This variant has not been reported in the literature in individuals affected with AKAP9-related conditions. ClinVar contains an entry for this variant (Variation ID: 577619). An algorithm developed to predict the effect of missense changes on protein structure and function (PolyPhen-2) suggests that this variant is likely to be tolerated. In summary, the available evidence is currently insufficient to determine the role of this variant in disease. Therefore, it has been classified as a Variant of Uncertain Significance.